The following is an entry in ClinVar:

ClinVar aggregate classification (germline): Conflicting classifications of pathogenicity. Review status: criteria provided, conflicting classifications (1 of 4 stars). 2 submissions from 2 submitters: Uncertain significance (1); Likely benign (1). Last evaluated 2024-10-15.

Conditions:
Alpha thalassemia-X-linked intellectual disability syndrome (ATRX). Also called: ALPHA-THALASSEMIA/MENTAL RETARDATION SYNDROME, X-LINKED; ATR, NONDELETION TYPE; ATR-X syndrome; Alpha thalassemia mental retardation syndrome, nondeletion type, X-linked; XLMR hypotonic face syndrome; X-linked alpha-thalassemia-mental retardation syndrome. Identifiers: Orphanet 847, MedGen C1845055, MONDO:0010519, OMIM 301040.

Allele frequency attached by ClinVar (database versions not stated): ExAC 0.00001; gnomAD exomes below 0.00001.

Submissions (2):

Women's Health and Genetics/Laboratory Corporation of America, LabCorp
Classification: Uncertain significance. Last evaluated: 2024-10-15. Review status: criteria provided, single submitter. Criteria: LabCorp Variant Classification Summary - May 2015. Collection method: clinical testing. Allele origin: germline.
Comment: Variant summary: ATRX c.1639G>A (p.Asp547Asn) results in a conservative amino acid change in the encoded protein sequence. Four of five in-silico tools predict a benign effect of the variant on protein function. The variant allele was found at a frequency of 5.5e-06 in 182362 control chromosomes. The available data on variant occurrences in the general population are insufficient to allow any conclusion about variant significance. To our knowledge, no occurrence of c.1639G>A in individuals affected with ATR-X Syndrome and no experimental evidence demonstrating its impact on protein function have been reported. ClinVar contains an entry for this variant (Variation ID: 1946260). Based on the evidence outlined above, the variant was classified as uncertain significance.

Labcorp Genetics (formerly Invitae), Labcorp
Classification: Likely benign for Alpha thalassemia-X-linked intellectual disability syndrome. Last evaluated: 2024-04-25. Review status: criteria provided, single submitter. Criteria: Invitae Variant Classification Sherloc (09022015). Collection method: clinical testing. Allele origin: germline.

NM_000489.6(ATRX):c.1639G>A (p.Asp547Asn)

Gene: ATRX (ATRX chromatin remodeler; minus strand). Cytogenetic location: Xq21.1.
Variant type: single nucleotide variant.
Coding change: c.1639G>A on transcript NM_000489.6 (MANE Select); coding-DNA position 1639, G replaced by A.
Protein change: p.Asp547Asn; replaces aspartic acid 547 with asparagine.
Molecular consequence: missense variant.
Genome position (GRCh38, 1-based): chrX:77,683,617, C>T on the plus strand (G>A on the coding strand, the complement: ATRX is on the minus strand). VCF-style: chrX-77683617-C-T. GRCh37 (hg19) VCF-style: chrX-76939109-C-T.
Other names: c.1525G>A, p.Asp509Asn (NM_138270.5); short protein forms D509N, D547N.
Identifiers: ClinVar variation 1946260 (VCV001946260.6), dbSNP rs782760045, ClinGen allele CA10458178.
Genomic context (GRCh38, chrX:77,683,617, plus strand): 5'-AAGAAATATTTAATTTTACAGATGAACTCTCCACTTCTTGTTCAGTTCCACTGCTGCCAT[C>T]CCCTTGATGATCAACTGAACTCTGAACTTCCATAGCAGTCTCAAGATTCTCAAAAATGTC-3'
Protein context (NP_000480.3, residues 537-557): EVQSSVDHQG[Asp547Asn]GSSGTEQEVE